The following is an entry in ClinVar:

ClinVar aggregate classification (germline): Uncertain significance. Review status: criteria provided, multiple submitters, no conflicts (2 of 4 stars). 2 submissions from 2 submitters: Uncertain significance (2). Last evaluated 2025-09-11.

Conditions:
Colorectal cancer, hereditary nonpolyposis, type 7. Identifiers: Orphanet 144, MedGen C1858380, MONDO:0013725, OMIM 614385.

Allele frequency attached by ClinVar (database versions not stated): TOPMed 0.00001.

Submissions (2):

Labcorp Genetics (formerly Invitae), Labcorp
Classification: Uncertain significance for Colorectal cancer, hereditary nonpolyposis, type 7. Last evaluated: 2025-09-11. Review status: criteria provided, single submitter. Criteria: Invitae Variant Classification Sherloc (09022015). Collection method: clinical testing. Allele origin: germline.
Comment: This sequence change replaces serine, which is neutral and polar, with alanine, which is neutral and non-polar, at codon 977 of the MLH3 protein (p.Ser977Ala). This variant is not present in population databases (gnomAD no frequency). This variant has not been reported in the literature in individuals affected with MLH3-related conditions. ClinVar contains an entry for this variant (Variation ID: 849113). An algorithm developed to predict the effect of missense changes on protein structure and function outputs the following: PolyPhen-2: "Benign". The alanine amino acid residue is found in multiple mammalian species, which suggests that this missense change does not adversely affect protein function. In summary, the available evidence is currently insufficient to determine the role of this variant in disease. Therefore, it has been classified as a Variant of Uncertain Significance.

Ambry Genetics
Classification: Uncertain significance. Last evaluated: 2023-01-12. Review status: criteria provided, single submitter. Criteria: Ambry Variant Classification Scheme 2023. Collection method: clinical testing. Allele origin: germline.
Comment: The p.S977A variant (also known as c.2929T>G), located in coding exon 1 of the MLH3 gene, results from a T to G substitution at nucleotide position 2929. The serine at codon 977 is replaced by alanine, an amino acid with similar properties. This amino acid position is conserved. In addition, this alteration is predicted to be tolerated by in silico analysis. Since supporting evidence is limited at this time, the clinical significance of this alteration remains unclear.

NM_001040108.2(MLH3):c.2929T>G (p.Ser977Ala)

Gene: MLH3 (mutL homolog 3; minus strand). Cytogenetic location: 14q24.3.
Variant type: single nucleotide variant.
Coding change: c.2929T>G on transcript NM_001040108.2 (MANE Select); coding-DNA position 2929, T replaced by G.
Protein change: p.Ser977Ala; replaces serine 977 with alanine.
Molecular consequence: missense variant.
Genome position (GRCh38, 1-based): chr14:75,046,727, A>C on the plus strand (T>G on the coding strand, the complement: MLH3 is on the minus strand). VCF-style: chr14-75046727-A-C. GRCh37 (hg19) VCF-style: chr14-75513430-A-C.
Other names: c.2929T>G, p.Ser977Ala (NM_014381.3); short protein forms S977A.
Identifiers: ClinVar variation 849113 (VCV000849113.11), dbSNP rs747777498, ClinGen allele CA390437440.